The following is an entry in ClinVar:

ClinVar aggregate classification (germline): Likely benign. Review status: criteria provided, single submitter (1 of 4 stars). 2 submissions from 2 submitters: Likely benign (1). 1 of the submissions does not count toward it. Last evaluated 2022-10-17.

Conditions:
Progressive myoclonic epilepsy type 8. Identifiers: Orphanet 424027, MedGen C5190825, MONDO:0014545, OMIM 616230.
CERS1-related disorder. Also called: CERS1-related condition.

Allele frequency attached by ClinVar (database versions not stated): gnomAD 0.00001; TOPMed 0.00001; 1000 Genomes Project 0.00020; 1000 Genomes Project 30x 0.00031.
gnomAD v4.1: 13 of 1,613,740 alleles (0.00081%); highest among the groups gnomAD compares: Middle Eastern, 0.033%; no homozygotes.

Submissions (2):

Labcorp Genetics (formerly Invitae), Labcorp
Classification: Likely benign for Progressive myoclonic epilepsy type 8. Last evaluated: 2022-10-17. Review status: criteria provided, single submitter. Criteria: Invitae Variant Classification Sherloc (09022015). Collection method: clinical testing. Allele origin: germline.

PreventionGenetics, part of Exact Sciences
Classification: Likely benign for CERS1-related condition. Last evaluated: 2019-07-04. Review status: no assertion criteria provided. Collection method: clinical testing. Allele origin: germline. Not counted in ClinVar's aggregate classification.
Comment: This variant is classified as likely benign based on ACMG/AMP sequence variant interpretation guidelines (Richards et al. 2015 PMID: 25741868, with internal and published modifications).

NM_021267.5(CERS1):c.978C>T (p.Ala326=)

Genes: CERS1 (ceramide synthase 1; minus strand), GDF1 (growth differentiation factor 1; minus strand). Cytogenetic location: 19p13.11.
Variant type: single nucleotide variant.
Coding change: c.978C>T on transcript NM_021267.5 (MANE Select); coding-DNA position 978, C replaced by T.
Protein change: p.Ala326=; no amino-acid change (alanine 326 retained).
Molecular consequence: synonymous variant. On other transcripts: 5 prime UTR variant (1), intron variant (1).
Genome position (GRCh38, 1-based): chr19:18,878,962, G>A on the plus strand (C>T on the coding strand, the complement: CERS1 is on the minus strand). VCF-style: chr19-18878962-G-A. GRCh37 (hg19) VCF-style: chr19-18989771-G-A.
Other names: c.684C>T, p.Ala228= (NM_001387443.1, NM_001387444.1, NM_001290265.2 and 2 more transcripts); c.978C>T, p.Ala326= (NM_001387439.1, NM_001387440.1, NM_198207.3); c.933C>T, p.Ala311= (NM_001387441.1); c.-345C>T (NM_001492.6); c.-313+5125C>T (NM_001387438.1).
Identifiers: ClinVar variation 1920009 (VCV001920009.7), dbSNP rs530273200, ClinGen allele CA306241463.